The following is an entry in ClinVar:

NC_000001.10:g.(193181608_193202122)_(193223946_?)del

Gene: CDC73 (cell division cycle 73; plus strand). Cytogenetic location: 1q31.2.
Variant type: Deletion.
Identifiers: ClinVar variation 2501250 (VCV002501250.1).

ClinVar aggregate classification (germline): Uncertain significance (1 of 4 stars; one submission).

Submission:

Women's Health and Genetics/Laboratory Corporation of America, LabCorp
Classification: Uncertain significance. Last evaluated: 2023-03-23. Review status: criteria provided, single submitter. Criteria: LabCorp Variant Classification Summary - May 2015. Collection method: clinical testing. Allele origin: germline.
Comment: Variant summary: The variant identified by MLPA or other technology involves the deletion of exons 14-17 in the CDC73 gene, which includes the last exon. The exact breakpoint at the 3' end of this variant is unknown, and therefore this deletion might extend downstream of the assayed region of the gene. A presumed nomenclature of c.(1154+1_1155-1)_(*4104_?)del has been designated for the purposes of this classification. Although exact breakpoints of this deletion are not known, it is not expected to cause nonsense mediated decay (NMD), but is predicted to cause a large truncation of the encoded protein, removing amino acids ~386-531, which affects the C-terminal domain (amino acids 358-520; IPR031336). Several truncating variants downstream from amino acid position 386 are reported in affected individuals (HGMD), however these all expected to elicit NMD, in addition no missense (or in-frame) changes are reported in the deleted region in affected, which would support a functional importance for the affected protein region. The variant was absent in 21694 control chromosomes (gnomAD database, structural variants dataset). To our knowledge, no occurrence of c.(1154+1_1155-1)_(*4104_?)del in individuals affected with Hyperparathyroidism - Jaw Tumor Syndrome and no experimental evidence demonstrating its impact on protein function have been reported. One submitter has provided a clinical-significance assessment for this variant to ClinVar after 2014, and classified the variant as uncertain significance. In conclusion, the variant affects a domain which might be important for protein function (PMID: 22318720), but current clinical evidence is not available to support its role in disease. Based on the evidence outlined above, the variant was classified as VUS-possibly pathogenic.